The following is an entry in ClinVar:

NM_025137.4(SPG11):c.377A>G (p.Asp126Gly)

Gene: SPG11 (SPG11 vesicle trafficking associated, spatacsin; minus strand). Cytogenetic location: 15q21.1.
Variant type: single nucleotide variant.
Coding change: c.377A>G on transcript NM_025137.4 (MANE Select); coding-DNA position 377, A replaced by G.
Protein change: p.Asp126Gly; replaces aspartic acid 126 with glycine.
Molecular consequence: missense variant.
Genome position (GRCh38, 1-based): chr15:44,660,497, T>C on the plus strand (A>G on the coding strand, the complement: SPG11 is on the minus strand). VCF-style: chr15-44660497-T-C. GRCh37 (hg19) VCF-style: chr15-44952695-T-C.
Other names: c.377A>G, p.Asp126Gly (NM_001160227.2); short protein forms D126G.
Identifiers: ClinVar variation 934478 (VCV000934478.10), dbSNP rs142097614, ClinGen allele CA7535860.

ClinVar aggregate classification (germline): Conflicting classifications of pathogenicity. Review status: criteria provided, conflicting classifications (1 of 4 stars). 2 submissions from 2 submitters: Uncertain significance (1); Likely benign (1). Last evaluated 2025-12-08.

Conditions:
Inborn genetic diseases. Identifiers: MedGen C0950123, MeSH D030342.
Hereditary spastic paraplegia 11. Also called: SPASTIC PARAPLEGIA, AUTOSOMAL RECESSIVE, COMPLICATED, WITH THIN CORPUS CALLOSUM; SPASTIC PARAPLEGIA, AUTOSOMAL RECESSIVE, WITH MENTAL IMPAIRMENT AND THIN CORPUS CALLOSUM; Spastic paraplegia, mental retardation and thin corpus callosum; Nakamura Osame syndrome; Autosomal recessive hereditary spastic paraplegia, mental impairment, and thin corpus callosum; Spastic Paraplegia 11. Identifiers: Orphanet 2822, MedGen C1858479, MONDO:0011445, OMIM 604360.

Allele frequency attached by ClinVar (database versions not stated): gnomAD exomes 0.00001 and 0.00004; ExAC 0.00004; gnomAD 0.00009 and 0.00011; TOPMed 0.00010; ESP Exome Variant Server 0.00015; 1000 Genomes Project 0.00060; 1000 Genomes Project 30x 0.00062.
gnomAD v4.1: 34 of 1,614,180 alleles (0.0021%); highest among the groups gnomAD compares: African/African-American, 0.035%; no homozygotes.

Submissions (2):

Labcorp Genetics (formerly Invitae), Labcorp
Classification: Likely benign for Hereditary spastic paraplegia 11. Last evaluated: 2025-12-08. Review status: criteria provided, single submitter. Criteria: Invitae Variant Classification Sherloc (09022015). Collection method: clinical testing. Allele origin: germline.

Ambry Genetics
Classification: Uncertain significance for Inborn genetic diseases. Last evaluated: 2020-09-14. Review status: criteria provided, single submitter. Criteria: Ambry Variant Classification Scheme 2023. Collection method: clinical testing. Allele origin: germline.
Comment: The p.D126G variant (also known as c.377A>G), located in coding exon 2 of the SPG11 gene, results from an A to G substitution at nucleotide position 377. The aspartic acid at codon 126 is replaced by glycine, an amino acid with similar properties. This amino acid position is well conserved in available vertebrate species. In addition, the in silico prediction for this alteration is inconclusive. Since supporting evidence is limited at this time, the clinical significance of this alteration remains unclear.